The following is an entry in ClinVar:

NM_005720.4(ARPC1B):c.628T>G (p.Phe210Val)

Gene: ARPC1B (actin related protein 2/3 complex subunit 1B; plus strand). Cytogenetic location: 7q22.1.
Variant type: single nucleotide variant.
Coding change: c.628T>G on transcript NM_005720.4 (MANE Select); coding-DNA position 628, T replaced by G.
Protein change: p.Phe210Val; replaces phenylalanine 210 with valine.
Molecular consequence: missense variant.
Genome position (GRCh38, 1-based): chr7:99,391,020, T>G. VCF-style: chr7-99391020-T-G. GRCh37 (hg19) VCF-style: chr7-98988643-T-G.
Other names: short protein forms F210V.
Identifiers: ClinVar variation 1967267 (VCV001967267.2), dbSNP rs759445881, ClinGen allele CA4364072.

ClinVar aggregate classification (germline): Uncertain significance (1 of 4 stars; one submission).

Allele frequency attached by ClinVar (database versions not stated): gnomAD exomes below 0.00001; ExAC 0.00001; TOPMed 0.00001.
gnomAD v4.1: 3 of 1,613,980 alleles (0.00019%); highest among the groups gnomAD compares: Non-Finnish European, 0.00025%; no homozygotes.

Submission:

Labcorp Genetics (formerly Invitae), Labcorp
Classification: Uncertain significance. Last evaluated: 2022-07-11. Review status: criteria provided, single submitter. Criteria: Invitae Variant Classification Sherloc (09022015). Collection method: clinical testing. Allele origin: germline.
Comment: This sequence change replaces phenylalanine, which is neutral and non-polar, with valine, which is neutral and non-polar, at codon 210 of the ARPC1B protein (p.Phe210Val). This variant is present in population databases (rs759445881, gnomAD 0.0009%). This variant has not been reported in the literature in individuals affected with ARPC1B-related conditions. Algorithms developed to predict the effect of missense changes on protein structure and function are either unavailable or do not agree on the potential impact of this missense change (SIFT: "Deleterious"; PolyPhen-2: "Probably Damaging"; Align-GVGD: "Class C15"). Algorithms developed to predict the effect of sequence changes on RNA splicing suggest that this variant may disrupt the consensus splice site. In summary, the available evidence is currently insufficient to determine the role of this variant in disease. Therefore, it has been classified as a Variant of Uncertain Significance.